The following is an entry in ClinVar:

NM_006009.4(TUBA1A):c.506T>C (p.Phe169Ser)

Gene: TUBA1A (tubulin alpha 1a; minus strand). Cytogenetic location: 12q13.12.
Variant type: single nucleotide variant.
Coding change: c.506T>C on transcript NM_006009.4 (MANE Select); coding-DNA position 506, T replaced by C.
Protein change: p.Phe169Ser; replaces phenylalanine 169 with serine.
Molecular consequence: missense variant.
Genome position (GRCh38, 1-based): chr12:49,185,860, A>G on the plus strand (T>C on the coding strand, the complement: TUBA1A is on the minus strand). VCF-style: chr12-49185860-A-G. GRCh37 (hg19) VCF-style: chr12-49579643-A-G.
Other names: c.506T>C, p.Phe169Ser (NM_001270399.2); c.401T>C, p.Phe134Ser (NM_001270400.2); short protein forms F134S, F169S.
Identifiers: ClinVar variation 4850179 (VCV004850179.1).

ClinVar aggregate classification (germline): Likely pathogenic (1 of 4 stars; one submission).

Conditions:
Lissencephaly due to TUBA1A mutation (CDCBM16). Also called: Lissencephaly 3; CORTICAL DYSPLASIA, COMPLEX, WITH OTHER BRAIN MALFORMATIONS 16. Identifiers: Orphanet 171680, MedGen C4305153, MONDO:0012703, OMIM 611603.

Submission:

Variantyx, Inc.
Classification: Likely pathogenic for Lissencephaly due to TUBA1A mutation. Last evaluated: 2025-10-31. Review status: criteria provided, single submitter. Criteria: Variantyx Assertion Criteria 2022. Collection method: clinical testing. Allele origin: de novo. Inheritance: Autosomal dominant inheritance. Affected: yes.
Comment: This is a nonsynonymous variant in the TUBA1A gene (OMIM: 602529). Pathogenic variants in this gene have been associated with autosomal dominant lissencephaly 3 (PMID: 17218254). This variant has not been reported in individuals with TUBA1A-related disorders in the databases available for review and it is absent from control populations (PM2).. Multiple computational algorithms predict a deleterious effect for this variant (REVEL score: 0.898) (PP3). Based on the current evidence, this variant is classified as likely pathogenic for autosomal dominant lissencephaly 3.

Literature cited by the submitters: PubMed 17218254.